The following is an entry in ClinVar:

ClinVar aggregate classification (germline): Uncertain significance. Review status: criteria provided, multiple submitters, no conflicts (2 of 4 stars). 2 submissions from 2 submitters: Uncertain significance (2). Last evaluated 2024-08-15.

Conditions:
Anauxetic dysplasia. Identifiers: Orphanet 93347, MedGen C1846796, MONDO:0011773.

Allele frequency attached by ClinVar (database versions not stated): TOPMed 0.00001.
gnomAD v4.1: 5 of 700,350 alleles (0.00071%); highest among the groups gnomAD compares: East Asian, 0.0027%; no homozygotes.

Submissions (2):

Labcorp Genetics (formerly Invitae), Labcorp
Classification: Uncertain significance for Anauxetic dysplasia. Last evaluated: 2024-08-15. Review status: criteria provided, single submitter. Criteria: Invitae Variant Classification Sherloc (09022015). Collection method: clinical testing. Allele origin: germline.
Comment: This variant occurs in the RMRP gene, which encodes an RNA molecule that does not result in a protein product. This variant is not present in population databases (gnomAD no frequency). This variant has not been reported in the literature in individuals affected with RMRP-related conditions. ClinVar contains an entry for this variant (Variation ID: 1037988). Experimental studies and prediction algorithms are not available or were not evaluated, and the functional significance of this variant is currently unknown. In summary, the available evidence is currently insufficient to determine the role of this variant in disease. Therefore, it has been classified as a Variant of Uncertain Significance.

CeGaT Center for Human Genetics Tuebingen
Classification: Uncertain significance. Last evaluated: 2022-03-01. Review status: criteria provided, single submitter. Criteria: CeGaT Center For Human Genetics Tuebingen Variant Classification Criteria Version 2. Collection method: clinical testing. Allele origin: germline. Affected: yes. Observed: 2 variant alleles.
Comment: RMRP: PM2, PM3:Supporting

NC_000009.12:g.35657926T>C

Gene: RMRP (RNA component of mitochondrial RNA processing endoribonuclease; minus strand). Cytogenetic location: 9p13.3.
Variant type: single nucleotide variant.
Genome position: GRCh38 VCF-style: chr9-35657926-T-C. GRCh37 (hg19) VCF-style: chr9-35657923-T-C.
Identifiers: ClinVar variation 1037988 (VCV001037988.39), dbSNP rs928762713, ClinGen allele CA464450818.
Genomic context (GRCh38, chr9:35,657,926, plus strand): 5'-TCTTGGCGGACTTTGGAGTGGGAAGCGGGGAATGTCTACGTGCGTATGCACGTGGCACTC[T>C]CTGCCCGAGGTCCGGGGACTTTCCCCTAGGCGGAAAGGGGAGGAACAGAGTCCTCAGTGT-3'